The following is an entry in ClinVar:

ClinVar aggregate classification (germline): Uncertain significance (1 of 4 stars; one submission).

Allele frequency attached by ClinVar (database versions not stated): gnomAD exomes 0.00001; TOPMed 0.00001; gnomAD 0.00003.
gnomAD v4.1: 22 of 1,595,812 alleles (0.0014%); highest among the groups gnomAD compares: Non-Finnish European, 0.0018%; no homozygotes.

Submission:

Labcorp Genetics (formerly Invitae), Labcorp
Classification: Uncertain significance. Last evaluated: 2021-10-01. Review status: criteria provided, single submitter. Criteria: Invitae Variant Classification Sherloc (09022015). Collection method: clinical testing. Allele origin: germline.
Comment: This sequence change affects codon 430 of the LIFR mRNA. It is a 'silent' change, meaning that it does not change the encoded amino acid sequence of the LIFR protein. It affects a nucleotide within the consensus splice site of the intron. This variant is not present in population databases (ExAC no frequency). This variant has not been reported in the literature in individuals affected with LIFR-related conditions. Algorithms developed to predict the effect of sequence changes on RNA splicing suggest that this variant is not likely to affect RNA splicing. In summary, the available evidence is currently insufficient to determine the role of this variant in disease. Therefore, it has been classified as a Variant of Uncertain Significance.

NM_001127671.2(LIFR):c.1290A>G (p.Lys430=)

Gene: LIFR (LIF receptor subunit alpha; minus strand). Cytogenetic location: 5p13.1.
Variant type: single nucleotide variant.
Coding change: c.1290A>G on transcript NM_001127671.2 (MANE Select); coding-DNA position 1290, A replaced by G.
Protein change: p.Lys430=; no amino-acid change (lysine 430 retained).
Molecular consequence: synonymous variant.
Genome position (GRCh38, 1-based): chr5:38,505,906, T>C on the plus strand (A>G on the coding strand, the complement: LIFR is on the minus strand). VCF-style: chr5-38505906-T-C. GRCh37 (hg19) VCF-style: chr5-38506008-T-C.
Other names: c.1290A>G, p.Lys430= (NM_001364297.2, NM_001364298.2, NM_002310.6).
Identifiers: ClinVar variation 1447529 (VCV001447529.3), dbSNP rs1418919413, ClinGen allele CA443947694.